The following is an entry in ClinVar:

NM_022765.4(MICAL1):c.4G>A (p.Ala2Thr)

Gene: MICAL1 (microtubule associated monooxygenase, calponin and LIM domain containing 1; minus strand). Cytogenetic location: 6q21.
Variant type: single nucleotide variant.
Coding change: c.4G>A on transcript NM_022765.4 (MANE Select); coding-DNA position 4, G replaced by A.
Protein change: p.Ala2Thr; replaces alanine 2 with threonine.
Molecular consequence: missense variant.
Genome position (GRCh38, 1-based): chr6:109,454,193, C>T on the plus strand (G>A on the coding strand, the complement: MICAL1 is on the minus strand). VCF-style: chr6-109454193-C-T. GRCh37 (hg19) VCF-style: chr6-109775396-C-T.
Other names: c.4G>A, p.Ala2Thr (NM_001159291.2); c.61G>A, p.Ala21Thr (NM_001286613.2); short protein forms A21T, A2T.
Identifiers: ClinVar variation 3663930 (VCV003663930.2).
Genomic context (GRCh38, chr6:109,454,193, plus strand): 5'-GCTGGGCCTGCAGGAAGCTCTCAAAGTGGGCATGCGCTGGGTTGGTGGAGGTAGGTGAAG[C>T]CATGGAGGCCTCCTGGGGAGGGCAGCAGCTGGGCAGAGATGAGTGGCTGGAGAGGTGGAA-3'
Protein context (NP_073602.3, residues 1-12): M[Ala2Thr]SPTSTNPAHA

ClinVar aggregate classification (germline): Uncertain significance (1 of 4 stars; one submission).

gnomAD v4.1: 1 of 1,596,144 alleles (0.000063%); highest among the groups gnomAD compares: Admixed American, 0.0018%; no homozygotes.

Submission:

Labcorp Genetics (formerly Invitae), Labcorp
Classification: Uncertain significance. Last evaluated: 2024-08-29. Review status: criteria provided, single submitter. Criteria: Invitae Variant Classification Sherloc (09022015). Collection method: clinical testing. Allele origin: germline.
Comment: This sequence change replaces alanine, which is neutral and non-polar, with threonine, which is neutral and polar, at codon 21 of the MICAL1 protein (p.Ala21Thr). The frequency data for this variant in the population databases is considered unreliable, as metrics indicate poor data quality at this position in the gnomAD database. This variant has not been reported in the literature in individuals affected with MICAL1-related conditions. An algorithm developed to predict the effect of missense changes on protein structure and function (PolyPhen-2) suggests that this variant is likely to be tolerated. In summary, the available evidence is currently insufficient to determine the role of this variant in disease. Therefore, it has been classified as a Variant of Uncertain Significance.